The following is an entry in ClinVar:

NM_001099409.3(EHBP1L1):c.1482C>T (p.Asp494=)

Gene: EHBP1L1 (EH domain binding protein 1 like 1; plus strand). Cytogenetic location: 11q13.1.
Variant type: single nucleotide variant.
Coding change: c.1482C>T on transcript NM_001099409.3 (MANE Select); coding-DNA position 1482, C replaced by T.
Protein change: p.Asp494=; no amino-acid change (aspartic acid 494 retained).
Molecular consequence: synonymous variant. On other transcripts: intron variant (1).
Genome position (GRCh38, 1-based): chr11:65,582,154, C>T. VCF-style: chr11-65582154-C-T. GRCh37 (hg19) VCF-style: chr11-65349625-C-T.
Other names: c.819+828C>T (NM_001351087.2).
Identifiers: ClinVar variation 3771042 (VCV003771042.13).

ClinVar aggregate classification (germline): Likely benign (1 of 4 stars; one submission).

gnomAD v4.1: 301 of 1,584,596 alleles (0.019%); highest among the groups gnomAD compares: Middle Eastern, 0.085%; no homozygotes.

Submission:

CeGaT Center for Human Genetics Tuebingen
Classification: Likely benign. Last evaluated: 2025-02-01. Review status: criteria provided, single submitter. Criteria: CeGaT Center For Human Genetics Tuebingen Variant Classification Criteria Version 2. Collection method: clinical testing. Allele origin: germline. Affected: yes. Observed: 1 variant allele.
Comment: EHBP1L1: BP4, BP7